The following is an entry in ClinVar:

NM_001010867.4(IBA57):c.97del (p.His33fs)

Gene: IBA57 (iron-sulfur cluster assembly factor IBA57; plus strand). Cytogenetic location: 1q42.13.
Variant type: Deletion.
Coding change: c.97del on transcript NM_001010867.4 (MANE Select); coding-DNA position 97, one base deleted (C; older notation c.97delC).
Protein change: p.His33fs; shifts the reading frame from histidine 33.
Molecular consequence: frameshift variant.
Genome position (GRCh38, 1-based): chr1:228,165,913, C deleted; the last of 3 consecutive C bases (chr1:228,165,911-228,165,913); deleting any one gives the same sequence. VCF-style (leftmost placement, unchanged base first): chr1-228165910-GC-G. GRCh37 (hg19) VCF-style: chr1-228353611-GC-G.
Other names: short protein forms H33fs.
Identifiers: ClinVar variation 5019054 (VCV005019054.2).

ClinVar aggregate classification (germline): Likely pathogenic (1 of 4 stars; one submission).

Conditions:
Multiple mitochondrial dysfunctions syndrome 3 (MMDS3). Identifiers: Orphanet 363424, MedGen C3809165, MONDO:0014132, OMIM 615330.
Hereditary spastic paraplegia 74. Also called: Spastic paraplegia 74, autosomal recessive. Identifiers: Orphanet 468661, MedGen C5568837, MONDO:0014644, OMIM 616451.

Submission:

Juno Genomics, Hangzhou Juno Genomics, Inc
Classification: Likely pathogenic for Hereditary spastic paraplegia 74; Multiple mitochondrial dysfunctions syndrome 3. Review status: criteria provided, single submitter. Criteria: ACMG Guidelines, 2015. Collection method: clinical testing. Allele origin: germline.
Comment: Absent from controls (or at extremely low frequency if recessive) in Genome Aggregation Database.;Null variant in a gene where loss of function (LOF) is a known mechanism of disease.